The following is an entry in ClinVar:

NM_017636.4(TRPM4):c.1601_1605dup (p.Ser536fs)

Gene: TRPM4 (transient receptor potential cation channel subfamily M member 4; plus strand). Cytogenetic location: 19q13.33.
Variant type: Duplication.
Coding change: c.1601_1605dup on transcript NM_017636.4 (MANE Select); coding-DNA positions 1601 to 1605, 5 bases duplicated (GGGAG; older notation c.1601_1605dupGGGAG).
Protein change: p.Ser536fs; shifts the reading frame from serine 536.
Molecular consequence: frameshift variant. On other transcripts: intron variant (1).
Genome position (GRCh38, 1-based): chr19:49,182,915-49,182,919, GGGAG duplicated; duplicating any 5 consecutive bases within chr19:49,182,914-49,182,919 gives the same sequence; the c. name uses the placement nearest the transcript's 3' end. VCF-style (leftmost placement, unchanged base first): chr19-49182913-C-CGGGGA. GRCh37 (hg19) VCF-style: chr19-49686170-C-CGGGGA.
Other names: c.1601_1605dup, p.Ser536fs (NM_001195227.2); c.1256_1260dup, p.Ser421fs (NM_001321281.2); c.1079_1083dup, p.Ser362fs (NM_001321283.2); c.539_543dup, p.Ser182fs (NM_001321285.2); c.-1+48_-1+52dup (NM_001321282.2); short protein forms S182fs, S362fs, S421fs, S536fs.
Identifiers: ClinVar variation 2448578 (VCV002448578.2), dbSNP rs1489741844, ClinGen allele CA633890787.

ClinVar aggregate classification (germline): Uncertain significance (1 of 4 stars; one submission).

Conditions:
Cardiovascular phenotype. Identifiers: MedGen CN230736.

Submission:

Ambry Genetics
Classification: Uncertain significance for Cardiovascular phenotype. Last evaluated: 2022-11-28. Review status: criteria provided, single submitter. Criteria: Ambry Variant Classification Scheme 2023. Collection method: clinical testing. Allele origin: germline.
Comment: The c.1601_1605dupGGGAG variant, located in coding exon 11 of the TRPM4 gene, results from a duplication of GGGAG at nucleotide position 1601, causing a translational frameshift with a predicted alternate stop codon (p.S536Gfs*36). This alteration is expected to result in protein truncation or nonsense-mediated mRNA decay. However, loss of function of TRPM4 has not been established as a mechanism of disease. Since supporting evidence is limited at this time, the clinical significance of this alteration remains unclear.